The following is an entry in ClinVar:

ClinVar aggregate classification (germline): Uncertain significance (1 of 4 stars; one submission).

Conditions:
Brugada syndrome. Also called: Sudden unexpected nocturnal death syndrome; Sudden unexplained nocturnal death syndrome; Sudden Unexplained Death Syndrome; Sudden Unexplained Nocturnal Death Syndrome (SUNDS). Identifiers: Orphanet 130, MedGen C1142166, MONDO:0015263.

Submission:

Labcorp Genetics (formerly Invitae), Labcorp
Classification: Uncertain significance for Brugada syndrome. Last evaluated: 2023-09-11. Review status: criteria provided, single submitter. Criteria: Invitae Variant Classification Sherloc (09022015). Collection method: clinical testing. Allele origin: germline.
Comment: In summary, the available evidence is currently insufficient to determine the role of this variant in disease. Therefore, it has been classified as a Variant of Uncertain Significance. Experimental studies and prediction algorithms are not available or were not evaluated, and the functional significance of this variant is currently unknown. This variant has not been reported in the literature in individuals affected with CACNA2D1-related conditions. This variant results in a copy number gain of the genomic region encompassing exon(s) 39 of the CACNA2D1 gene. This region includes the termination codon of the gene. This copy number gain extends beyond the assayed region for this gene and therefore may encompass additional genes. As the precise location of this event is unknown, it may be in tandem or it may be located elsewhere in the genome.

NC_000007.13:g.(?_81579708)_(81579844_?)dup

Gene: CACNA2D1 (calcium voltage-gated channel auxiliary subunit alpha2delta 1; minus strand). Cytogenetic location: 7q21.11.
Variant type: Duplication.
Identifiers: ClinVar variation 1409919 (VCV001409919.5).